The following is an entry in ClinVar:

ClinVar aggregate classification (germline): Uncertain significance. Review status: criteria provided, multiple submitters, no conflicts (2 of 4 stars). 2 submissions from 2 submitters: Uncertain significance (2). Last evaluated 2024-12-28.

Conditions:
Inborn genetic diseases. Identifiers: MedGen C0950123, MeSH D030342.
Neuronal ceroid lipofuscinosis. Also called: Neuronal Ceroid Lipofuscinoses. Identifiers: Orphanet 216, Orphanet 79263, MedGen C0027877, MONDO:0016295. Disease mechanism: loss of function.

Allele frequency attached by ClinVar (database versions not stated): gnomAD exomes below 0.00001; gnomAD 0.00001 and 0.00002; TOPMed 0.00001.
gnomAD v4.1: 5 of 1,613,084 alleles (0.00031%); highest among the groups gnomAD compares: Admixed American, 0.0067%; no homozygotes.

Submissions (2):

Ambry Genetics
Classification: Uncertain significance for Inborn genetic diseases. Last evaluated: 2024-12-28. Review status: criteria provided, single submitter. Criteria: Ambry Variant Classification Scheme 2023. Collection method: clinical testing. Allele origin: germline.

Labcorp Genetics (formerly Invitae), Labcorp
Classification: Uncertain significance for Neuronal ceroid lipofuscinosis. Last evaluated: 2021-08-27. Review status: criteria provided, single submitter. Criteria: Invitae Variant Classification Sherloc (09022015). Collection method: clinical testing. Allele origin: germline.
Comment: This sequence change replaces phenylalanine with leucine at codon 69 of the CLN6 protein (p.Phe69Leu). The phenylalanine residue is moderately conserved and there is a small physicochemical difference between phenylalanine and leucine. This variant is not present in population databases (ExAC no frequency). This variant has not been reported in the literature in individuals affected with CLN6-related conditions. Algorithms developed to predict the effect of missense changes on protein structure and function (SIFT, PolyPhen-2, Align-GVGD) all suggest that this variant is likely to be tolerated. In summary, the available evidence is currently insufficient to determine the role of this variant in disease. Therefore, it has been classified as a Variant of Uncertain Significance.

NM_017882.3(CLN6):c.205T>C (p.Phe69Leu)

Gene: CLN6 (CLN6 transmembrane ER protein; minus strand). Cytogenetic location: 15q23.
Variant type: single nucleotide variant.
Coding change: c.205T>C on transcript NM_017882.3 (MANE Select); coding-DNA position 205, T replaced by C.
Protein change: p.Phe69Leu; replaces phenylalanine 69 with leucine.
Molecular consequence: missense variant.
Genome position (GRCh38, 1-based): chr15:68,214,382, A>G on the plus strand (T>C on the coding strand, the complement: CLN6 is on the minus strand). VCF-style: chr15-68214382-A-G. GRCh37 (hg19) VCF-style: chr15-68506720-A-G.
Other names: short protein forms F69L.
Identifiers: ClinVar variation 967000 (VCV000967000.8), dbSNP rs1418418672, ClinGen allele CA392974507.